The following is an entry in ClinVar:

NM_000261.2(MYOC):c.343G>A (p.Glu115Lys)

Gene: MYOC (myocilin; minus strand). Cytogenetic location: 1q24.3.
Variant type: single nucleotide variant.
Coding change: c.343G>A on transcript NM_000261.2 (MANE Select); coding-DNA position 343, G replaced by A.
Protein change: p.Glu115Lys; replaces glutamic acid 115 with lysine.
Molecular consequence: missense variant.
Genome position (GRCh38, 1-based): chr1:171,652,269, C>T on the plus strand (G>A on the coding strand, the complement: MYOC is on the minus strand). VCF-style: chr1-171652269-C-T. GRCh37 (hg19) VCF-style: chr1-171621409-C-T.
Other names: NM_000261.2:c.343G>A; short protein forms E115K.
Identifiers: ClinVar variation 1703216 (VCV001703216.1), dbSNP rs757551979, ClinGen allele CA1244294.

ClinVar aggregate classification (germline): Uncertain significance (3 of 4 stars; one submission).

Conditions:
Open-angle glaucoma. Identifiers: MedGen C0017612, MONDO:0005338, HP:0012108.

Allele frequency attached by ClinVar (database versions not stated): ExAC 0.00002.

Submission:

ClinGen Glaucoma Variant Curation Expert Panel
Classification: Uncertain significance for Open-angle glaucoma. Last evaluated: 2026-01-12. Review status: reviewed by expert panel. Criteria: ClinGen Glaucoma ACMG Specifications V2.0.0 Approved. Collection method: curation. Allele origin: germline. Inheritance: Autosomal dominant inheritance.
Comment: The c.343G>A variant in MYOC is a missense variant predicted to cause substitution of Glutamic Acid by Lysine at amino acid 115 (p.Glu115Lys). The highest minor allele frequency of this variant was in the Remaining genetic ancestry group of gnomAD (v4.1.0) = 0.00004803 (3 alleles out of 62,464), which met the ≤ 0.0001 threshold set for PM2_Supporting in a genetic ancestry group of at least 10,000 alleles. The REVEL score = 0.05, which was within the 0.017-0.183 range for BP4_Moderate, suggesting that the variant does not impact MYOC function. There was no functional evidence predicting a damaging or benign impact of this variant on MYOC function. Only 1 proband with primary open angle glaucoma had been reported (PMID: 30816137), not meeting the ≥ 2 probands threshold required to meet PS4_Supporting. In summary, this variant met the criteria to receive a score of -1 and to be classified as a variant of uncertain significance (uncertain significance classification range -1 to 5, adapted from PMID: 32720330) for primary open angle glaucoma based on the ACMG/AMP criteria met, as specified by the ClinGen Glaucoma VCEP (v2.0.0, 5 Dec 2024): BP4_Moderate, PM2_Supporting